The following is an entry in ClinVar:

NM_000126.4(ETFA):c.187G>T (p.Val63Leu)

Gene: ETFA (electron transfer flavoprotein subunit alpha; minus strand). Cytogenetic location: 15q24.2.
Variant type: single nucleotide variant.
Coding change: c.187G>T on transcript NM_000126.4 (MANE Select); coding-DNA position 187, G replaced by T.
Protein change: p.Val63Leu; replaces valine 63 with leucine.
Molecular consequence: missense variant.
Genome position (GRCh38, 1-based): chr15:76,292,700, C>A on the plus strand (G>T on the coding strand, the complement: ETFA is on the minus strand). VCF-style: chr15-76292700-C-A. GRCh37 (hg19) VCF-style: chr15-76585041-C-A.
Other names: c.40G>T, p.Val14Leu (NM_001127716.2); short protein forms V14L, V63L.
Identifiers: ClinVar variation 2582939 (VCV002582939.25), dbSNP rs2543032637, ClinGen allele CA393517468.

ClinVar aggregate classification (germline): Uncertain significance (1 of 4 stars; one submission).

Submission:

CeGaT Center for Human Genetics Tuebingen
Classification: Uncertain significance. Last evaluated: 2023-09-01. Review status: criteria provided, single submitter. Criteria: CeGaT Center For Human Genetics Tuebingen Variant Classification Criteria Version 2. Collection method: clinical testing. Allele origin: germline. Affected: yes. Observed: 1 variant allele.
Comment: ETFA: PM2, PM3:Supporting, PP3